The following is an entry in ClinVar:

NM_000660.7(TGFB1):c.478C>T (p.Leu160Phe)

Gene: TGFB1 (transforming growth factor beta 1; minus strand). Cytogenetic location: 19q13.2.
Variant type: single nucleotide variant.
Coding change: c.478C>T on transcript NM_000660.7 (MANE Select); coding-DNA position 478, C replaced by T.
Protein change: p.Leu160Phe; replaces leucine 160 with phenylalanine.
Molecular consequence: missense variant.
Genome position (GRCh38, 1-based): chr19:41,348,333, G>A on the plus strand (C>T on the coding strand, the complement: TGFB1 is on the minus strand). VCF-style: chr19-41348333-G-A. GRCh37 (hg19) VCF-style: chr19-41854238-G-A.
Other names: short protein forms L160F.
Identifiers: ClinVar variation 4771342 (VCV004771342.1).
Genomic context (GRCh38, chr19:41,348,333, plus strand): 5'-TCCTTCTGGCTCATGTCCTCACCTGGTACAGCTCCACGTGCTGCTCCACTTTTAACTTGA[G>A]CCTCAGCAGACGCAGCTCTGCCCGGGAGAGCAACACGGGTTCAGGTACCGCTTCTCGGAG-3'
Protein context (NP_000651.3, residues 150-170): LSRAELRLLR[Leu160Phe]KLKVEQHVEL

ClinVar aggregate classification (germline): Uncertain significance (1 of 4 stars; one submission).

gnomAD v4.1: 1 of 1,613,536 alleles (0.000062%); highest among the groups gnomAD compares: East Asian, 0.0022%; no homozygotes.

Submission:

Labcorp Genetics (formerly Invitae), Labcorp
Classification: Uncertain significance. Last evaluated: 2025-08-02. Review status: criteria provided, single submitter. Criteria: Invitae Variant Classification Sherloc (09022015). Collection method: clinical testing. Allele origin: germline.
Comment: This sequence change replaces leucine, which is neutral and non-polar, with phenylalanine, which is neutral and non-polar, at codon 160 of the TGFB1 protein (p.Leu160Phe). This variant is not present in population databases (gnomAD no frequency). This variant has not been reported in the literature in individuals affected with TGFB1-related conditions. Invitae Evidence Modeling of protein sequence and biophysical properties (such as structural, functional, and spatial information, amino acid conservation, physicochemical variation, residue mobility, and thermodynamic stability) indicates that this missense variant is not expected to disrupt TGFB1 protein function with a negative predictive value of 80%. In summary, the available evidence is currently insufficient to determine the role of this variant in disease. Therefore, it has been classified as a Variant of Uncertain Significance.